The following is an entry in ClinVar:

ClinVar aggregate classification (germline): Uncertain significance (1 of 4 stars; one submission).

Conditions:
Acute myeloid leukemia (AML). Also called: Leukemia, acute myeloid, somatic; Leukemia, acute myelogenous, somatic; Acute myeloid leukemia, adult; AML adult; Acute non-lymphocytic leukemia; Acute granulocytic leukemia. Identifiers: Orphanet 519, MedGen C0023467, MeSH D015470, MONDO:0018874, OMIM 601626, HP:0004808. Disease mechanism: Constitutively activated FLT3.

Submission:

Labcorp Genetics (formerly Invitae), Labcorp
Classification: Uncertain significance for Acute myeloid leukemia. Last evaluated: 2020-11-23. Review status: criteria provided, single submitter. Criteria: Invitae Variant Classification Sherloc (09022015). Collection method: clinical testing. Allele origin: germline.
Comment: Algorithms developed to predict the effect of missense changes on protein structure and function (SIFT, PolyPhen-2, Align-GVGD) all suggest that this variant is likely to be tolerated, but these predictions have not been confirmed by published functional studies and their clinical significance is uncertain. This sequence change replaces glutamine with histidine at codon 182 of the CEBPA protein (p.Gln182His). The glutamine residue is weakly conserved and there is a small physicochemical difference between glutamine and histidine. The frequency data for this variant in the population databases is considered unreliable, as metrics indicate insufficient coverage at this position in the ExAC database. This variant has not been reported in the literature in individuals with CEBPA-related conditions. In summary, the available evidence is currently insufficient to determine the role of this variant in disease. Therefore, it has been classified as a Variant of Uncertain Significance.

NM_004364.5(CEBPA):c.546G>C (p.Gln182His)

Gene: CEBPA (CCAAT enhancer binding protein alpha; minus strand). Cytogenetic location: 19q13.11.
Variant type: single nucleotide variant.
Coding change: c.546G>C on transcript NM_004364.5 (MANE Select); coding-DNA position 546, G replaced by C.
Protein change: p.Gln182His; replaces glutamine 182 with histidine.
Molecular consequence: missense variant.
Genome position (GRCh38, 1-based): chr19:33,301,869, C>G on the plus strand (G>C on the coding strand, the complement: CEBPA is on the minus strand). VCF-style: chr19-33301869-C-G. GRCh37 (hg19) VCF-style: chr19-33792775-C-G.
Other names: c.189G>C, p.Gln63His (NM_001285829.2); c.651G>C, p.Gln217His (NM_001287424.2); c.504G>C, p.Gln168His (NM_001287435.2); short protein forms Q168H, Q182H, Q63H, Q217H.
Identifiers: ClinVar variation 1522921 (VCV001522921.8), dbSNP rs2145261525, ClinGen allele CA405274720.